The following is an entry in ClinVar:

ClinVar aggregate classification (germline): Uncertain significance. Review status: criteria provided, multiple submitters, no conflicts (2 of 4 stars). 2 submissions from 2 submitters: Uncertain significance (2). Last evaluated 2026-01-01.

Conditions:
Autosomal recessive limb-girdle muscular dystrophy type 2A (LGMDR1). Also called: LEYDEN-MOEBIUS MUSCULAR DYSTROPHY; Limb-girdle muscular dystrophy, type 2A; Calpainopathy; Muscular dystrophy, limb-girdle, type 2A, Amish; MUSCULAR DYSTROPHY, PELVOFEMORAL. Identifiers: Orphanet 267, MedGen C1869123, MONDO:0009675, OMIM 253600. Disease mechanism: loss of function.

Allele frequency attached by ClinVar (database versions not stated): gnomAD exomes below 0.00001.
gnomAD v4.1: 2 of 1,614,078 alleles (0.00012%); highest among the groups gnomAD compares: Admixed American, 0.0017%; no homozygotes.

Submissions (2):

Labcorp Genetics (formerly Invitae), Labcorp
Classification: Uncertain significance for Autosomal recessive limb-girdle muscular dystrophy type 2A. Last evaluated: 2026-01-01. Review status: criteria provided, single submitter. Criteria: Invitae Variant Classification Sherloc (09022015). Collection method: clinical testing. Allele origin: germline.
Comment: This sequence change replaces glutamine, which is neutral and polar, with arginine, which is basic and polar, at codon 388 of the CAPN3 protein (p.Gln388Arg). This variant is not present in population databases (gnomAD no frequency). This variant has not been reported in the literature in individuals affected with CAPN3-related conditions. ClinVar contains an entry for this variant (Variation ID: 1429318). Invitae Evidence Modeling of protein sequence and biophysical properties (such as structural, functional, and spatial information, amino acid conservation, physicochemical variation, residue mobility, and thermodynamic stability) indicates that this missense variant is not expected to disrupt CAPN3 protein function with a negative predictive value of 80%. In summary, the available evidence is currently insufficient to determine the role of this variant in disease. Therefore, it has been classified as a Variant of Uncertain Significance.

Revvity Omics, Revvity
Classification: Uncertain significance. Last evaluated: 2024-07-01. Review status: criteria provided, single submitter. Criteria: ACMG Guidelines, 2015. Collection method: clinical testing. Allele origin: germline.

NM_000070.3(CAPN3):c.1163A>G (p.Gln388Arg)

Gene: CAPN3 (calpain 3; plus strand). Cytogenetic location: 15q15.1.
Variant type: single nucleotide variant.
Coding change: c.1163A>G on transcript NM_000070.3 (MANE Select); coding-DNA position 1163, A replaced by G.
Protein change: p.Gln388Arg; replaces glutamine 388 with arginine.
Molecular consequence: missense variant.
Genome position (GRCh38, 1-based): chr15:42,396,847, A>G. VCF-style: chr15-42396847-A-G. GRCh37 (hg19) VCF-style: chr15-42689045-A-G.
Other names: c.1163A>G, p.Gln388Arg (NM_024344.2); c.1019A>G, p.Gln340Arg (NM_173087.2); short protein forms Q340R, Q388R.
Identifiers: ClinVar variation 1429318 (VCV001429318.9), dbSNP rs2141186439, ClinGen allele CA391999220.